The following is an entry in ClinVar:

NM_002471.4(MYH6):c.1934C>T (p.Ser645Phe)

Gene: MYH6 (myosin heavy chain 6; minus strand). Cytogenetic location: 14q11.2.
Variant type: single nucleotide variant.
Coding change: c.1934C>T on transcript NM_002471.4 (MANE Select); coding-DNA position 1934, C replaced by T.
Protein change: p.Ser645Phe; replaces serine 645 with phenylalanine.
Molecular consequence: missense variant.
Genome position (GRCh38, 1-based): chr14:23,397,571, G>A on the plus strand (C>T on the coding strand, the complement: MYH6 is on the minus strand). VCF-style: chr14-23397571-G-A. GRCh37 (hg19) VCF-style: chr14-23866780-G-A.
Other names: short protein forms S645F.
Identifiers: ClinVar variation 1782932 (VCV001782932.4), dbSNP rs779949089, ClinGen allele CA7115661.

ClinVar aggregate classification (germline): Uncertain significance. Review status: criteria provided, multiple submitters, no conflicts (2 of 4 stars). 2 submissions from 2 submitters: Uncertain significance (2). Last evaluated 2025-08-24.

Conditions:
Cardiovascular phenotype. Identifiers: MedGen CN230736.

Allele frequency attached by ClinVar (database versions not stated): gnomAD exomes 0.00001; ExAC 0.00002.
gnomAD v4.1: 18 of 1,614,220 alleles (0.0011%); highest among the groups gnomAD compares: Non-Finnish European, 0.0012%; no homozygotes.

Submissions (2):

Ambry Genetics
Classification: Uncertain significance for Cardiovascular phenotype. Last evaluated: 2025-08-24. Review status: criteria provided, single submitter. Criteria: Ambry Variant Classification Scheme 2023. Collection method: clinical testing. Allele origin: germline.
Comment: The p.S645F variant (also known as c.1934C>T), located in coding exon 14 of the MYH6 gene, results from a C to T substitution at nucleotide position 1934. The serine at codon 645 is replaced by phenylalanine, an amino acid with highly dissimilar properties. This amino acid position is highly conserved in available vertebrate species. In addition, this alteration is predicted to be deleterious by in silico analysis. Since supporting evidence is limited at this time, the clinical significance of this alteration remains unclear.

GeneDx
Classification: Uncertain significance. Last evaluated: 2024-07-29. Review status: criteria provided, single submitter. Criteria: GeneDx Variant Classification Process June 2021. Collection method: clinical testing. Allele origin: germline. Affected: yes.
Comment: Not observed at significant frequency in large population cohorts (gnomAD); In silico analysis supports that this missense variant has a deleterious effect on protein structure/function; Has not been previously published as pathogenic or benign to our knowledge